The following is an entry in ClinVar:

NM_002591.4(PCK1):c.1678A>C (p.Lys560Gln)

Gene: PCK1 (phosphoenolpyruvate carboxykinase 1; plus strand). Cytogenetic location: 20q13.31.
Variant type: single nucleotide variant.
Coding change: c.1678A>C on transcript NM_002591.4 (MANE Select); coding-DNA position 1678, A replaced by C.
Protein change: p.Lys560Gln; replaces lysine 560 with glutamine.
Molecular consequence: missense variant.
Genome position (GRCh38, 1-based): chr20:57,565,613, A>C. VCF-style: chr20-57565613-A-C. GRCh37 (hg19) VCF-style: chr20-56140669-A-C.
Other names: short protein forms K560Q.
Identifiers: ClinVar variation 1504353 (VCV001504353.3), dbSNP rs200640038, ClinGen allele CA9922447.

ClinVar aggregate classification (germline): Uncertain significance (1 of 4 stars; one submission).

Allele frequency attached by ClinVar (database versions not stated): gnomAD exomes below 0.00001; ExAC 0.00001; 1000 Genomes Project 30x 0.00016; 1000 Genomes Project 0.00020.
gnomAD v4.1: 3 of 1,614,108 alleles (0.00019%); highest among the groups gnomAD compares: East Asian, 0.0067%; no homozygotes.

Submission:

Labcorp Genetics (formerly Invitae), Labcorp
Classification: Uncertain significance. Last evaluated: 2021-11-17. Review status: criteria provided, single submitter. Criteria: Invitae Variant Classification Sherloc (09022015). Collection method: clinical testing. Allele origin: germline.
Comment: This sequence change replaces lysine, which is basic and polar, with glutamine, which is neutral and polar, at codon 560 of the PCK1 protein (p.Lys560Gln). This variant is present in population databases (rs200640038, gnomAD 0.006%). This variant has not been reported in the literature in individuals affected with PCK1-related conditions. Algorithms developed to predict the effect of missense changes on protein structure and function (SIFT, PolyPhen-2, Align-GVGD) all suggest that this variant is likely to be tolerated. In summary, the available evidence is currently insufficient to determine the role of this variant in disease. Therefore, it has been classified as a Variant of Uncertain Significance.